The following is an entry in ClinVar:

NM_018489.3(ASH1L):c.1447G>A (p.Val483Ile)

Gene: ASH1L (ASH1 like histone lysine methyltransferase; minus strand). Cytogenetic location: 1q22.
Variant type: single nucleotide variant.
Coding change: c.1447G>A on transcript NM_018489.3 (MANE Select); coding-DNA position 1447, G replaced by A.
Protein change: p.Val483Ile; replaces valine 483 with isoleucine.
Molecular consequence: missense variant.
Genome position (GRCh38, 1-based): chr1:155,481,423, C>T on the plus strand (G>A on the coding strand, the complement: ASH1L is on the minus strand). VCF-style: chr1-155481423-C-T. GRCh37 (hg19) VCF-style: chr1-155451214-C-T.
Other names: c.1447G>A, p.Val483Ile (NM_001366177.2); short protein forms V483I.
Identifiers: ClinVar variation 4279888 (VCV004279888.1).

ClinVar aggregate classification (germline): Uncertain significance (1 of 4 stars; one submission).

Conditions:
Intellectual developmental disorder, autosomal dominant 52. Also called: Intellectual disability, autosomal dominant 52; Mental retardation, autosomal dominant 52. Identifiers: MedGen C4540478, MONDO:0030918, OMIM 617796.

gnomAD v4.1: 6 of 1,614,004 alleles (0.00037%); highest among the groups gnomAD compares: African/African-American, 0.0013%; no homozygotes.

Submission:

Clinical Genomics Laboratory, Washington University in St. Louis
Classification: Uncertain significance for Intellectual developmental disorder, autosomal dominant 52. Last evaluated: 2025-09-04. Review status: criteria provided, single submitter. Criteria: ACMG Guidelines, 2015. Collection method: clinical testing. Allele origin: germline.
Comment: The ASH1L c.1447G>A (p.Val483Ile) variant, to our knowledge, has not been reported in the medical literature and is absent from the general population (gnomAD v.2.1.1), indicating it is not a common variant. Computational predictors suggest that the variant does not impact ASH1L function. Due to limited information, and based on ACMG/AMP guidelines for variant interpretation (Richards S et al., PMID: 25741868), the clinical significance of this variant is uncertain at this time.